The following is an entry in ClinVar:

NM_033004.4(NLRP1):c.2077C>T (p.Arg693Trp)

Gene: NLRP1 (NLR family pyrin domain containing 1; minus strand). Cytogenetic location: 17p13.2.
Variant type: single nucleotide variant.
Coding change: c.2077C>T on transcript NM_033004.4 (MANE Select); coding-DNA position 2077, C replaced by T.
Protein change: p.Arg693Trp; replaces arginine 693 with tryptophan.
Molecular consequence: missense variant.
Genome position (GRCh38, 1-based): chr17:5,558,619, G>A on the plus strand (C>T on the coding strand, the complement: NLRP1 is on the minus strand). VCF-style: chr17-5558619-G-A. GRCh37 (hg19) VCF-style: chr17-5461939-G-A.
Other names: c.2077C>T, p.Arg693Trp (NM_001033053.3, NM_014922.5, NM_033006.4 and 1 more transcripts); c.2077C>T (NM_033004.3); short protein forms R693W.
Identifiers: ClinVar variation 2082532 (VCV002082532.5), dbSNP rs201734090, ClinGen allele CA8327267.
Genomic context (GRCh38, chr17:5,558,619, plus strand): 5'-GCTGCAGCAGCAGCTGCAGGGACGGGACCCACTGCATCAGGTTCCTCCCCTGAGACAGCC[G>A]GCAGTGAAAGATGTTCTCCATCTCTCTCTCCCCCTCATCACTTAACAGGCCCAATAGGAA-3'
Protein context (NP_127497.1, residues 683-703): EREMENIFHC[Arg693Trp]LSQGRNLMQW

ClinVar aggregate classification (germline): Uncertain significance. Review status: criteria provided, multiple submitters, no conflicts (2 of 4 stars). 2 submissions from 2 submitters: Uncertain significance (2). Last evaluated 2026-02-24.

Conditions:
NLRP1-related disorder. Also called: NLRP1-related condition.

Allele frequency attached by ClinVar (database versions not stated): ExAC 0.00002; TOPMed 0.00002; gnomAD 0.00005; gnomAD exomes 0.00005.
gnomAD v4.1: 79 of 1,613,918 alleles (0.0049%); highest among the groups gnomAD compares: South Asian, 0.024%; no homozygotes.

Submissions (2):

PreventionGenetics, part of Exact Sciences
Classification: Uncertain significance for NLRP1-related condition. Last evaluated: 2026-02-24. Review status: criteria provided, single submitter. Criteria: ACMG Guidelines, 2015. Collection method: clinical testing. Allele origin: germline.
Comment: The NLRP1 c.2077C>T variant is predicted to result in the amino acid substitution p.Arg693Trp. To our knowledge, this variant has not been reported in the literature. This variant is reported in 0.020% of alleles in individuals of South Asian descent in gnomAD. At this time, the clinical significance of this variant is uncertain due to the absence of conclusive functional and genetic evidence.

Labcorp Genetics (formerly Invitae), Labcorp
Classification: Uncertain significance. Last evaluated: 2025-12-20. Review status: criteria provided, single submitter. Criteria: Invitae Variant Classification Sherloc (09022015). Collection method: clinical testing. Allele origin: germline.
Comment: This sequence change replaces arginine, which is basic and polar, with tryptophan, which is neutral and slightly polar, at codon 693 of the NLRP1 protein (p.Arg693Trp). This variant is present in population databases (rs201734090, gnomAD 0.02%). This variant has not been reported in the literature in individuals affected with NLRP1-related conditions. ClinVar contains an entry for this variant (Variation ID: 2082532). An algorithm developed to predict the effect of missense changes on protein structure and function (PolyPhen-2) suggests that this variant is likely to be tolerated. In summary, the available evidence is currently insufficient to determine the role of this variant in disease. Therefore, it has been classified as a Variant of Uncertain Significance.